The following is an entry in ClinVar:

NM_018192.4(P3H2):c.124C>T (p.Gln42Ter)

Gene: P3H2 (prolyl 3-hydroxylase 2; minus strand). Cytogenetic location: 3q28.
Variant type: single nucleotide variant.
Coding change: c.124C>T on transcript NM_018192.4 (MANE Select); coding-DNA position 124, C replaced by T.
Protein change: p.Gln42Ter; replaces glutamine 42 with a stop codon.
Molecular consequence: nonsense. On other transcripts: intron variant (1).
Genome position (GRCh38, 1-based): chr3:190,120,608, G>A on the plus strand (C>T on the coding strand, the complement: P3H2 is on the minus strand). VCF-style: chr3-190120608-G-A. GRCh37 (hg19) VCF-style: chr3-189838397-G-A.
Other names: c.-64+1595C>T (NM_001134418.2); short protein forms Q42*.
Identifiers: ClinVar variation 3382489 (VCV003382489.2).
Genomic context (GRCh38, chr3:190,120,608, plus strand): 5'-GCTCGTAGTCTCCGCTGTAGTAGGCGGCCGCGCCGCTGGCGTAGAGCAGGTCGAAGGGCT[G>A]CAGAGGCCCGGGCTCCAGCTCCAGCTCCCGGCGTGGGCTGTCCGGGGGGCCGCCCCACAG-3'

ClinVar aggregate classification (germline): Likely pathogenic (1 of 4 stars; one submission).

Conditions:
Myopia, high, with cataract and vitreoretinal degeneration (MCVD). Identifiers: MedGen C3280346, MONDO:0013670, OMIM 614292.

Submission:

Juno Genomics, Hangzhou Juno Genomics, Inc
Classification: Likely pathogenic for Myopia, high, with cataract and vitreoretinal degeneration. Review status: criteria provided, single submitter. Criteria: ACMG Guidelines, 2015. Collection method: clinical testing. Allele origin: germline. Affected: yes.
Comment: Absent from controls (or at extremely low frequency if recessive) in Genome Aggregation Database, Exome Sequencing Project, 1000 Genomes Project, or Exome Aggregation Consortium.;Null variant in a gene where loss of function (LOF) is a known mechanism of disease.